The following is an entry in ClinVar:

ClinVar aggregate classification (germline): Pathogenic. Review status: criteria provided, multiple submitters, no conflicts (2 of 4 stars). 2 submissions from 2 submitters: Pathogenic (2). Last evaluated 2025-08-11.

Conditions:
Familial cancer of breast. Also called: Hereditary breast cancer; BREAST CANCER, FAMILIAL; hereditary breast carcinoma. Identifiers: Orphanet 227535, MedGen C0346153, MONDO:0016419, OMIM 114480. Disease mechanism: loss of function.
Ataxia-telangiectasia syndrome (AT). Also called: LOUIS-BAR SYNDROME; Ataxia-telangiectasia, complementation group D; AT, COMPLEMENTATION GROUP C; Cerebello-oculocutaneous telangiectasia; Immunodeficiency with ataxia telangiectasia; ATAXIA-TELANGIECTASIA, COMPLEMENTATION GROUP A. Identifiers: Orphanet 100, MedGen C0004135, MONDO:0008840, OMIM 208900.

Submissions (2):

Labcorp Genetics (formerly Invitae), Labcorp
Classification: Pathogenic for Ataxia-telangiectasia syndrome. Last evaluated: 2025-08-11. Review status: criteria provided, single submitter. Criteria: Invitae Variant Classification Sherloc (09022015). Collection method: clinical testing. Allele origin: germline.
Comment: This sequence change creates a premature translational stop signal (p.Val682Glnfs*18) in the ATM gene. It is expected to result in an absent or disrupted protein product. Loss-of-function variants in ATM are known to be pathogenic (PMID: 23807571, 25614872). This variant is not present in population databases (gnomAD no frequency). This variant has not been reported in the literature in individuals affected with ATM-related conditions. ClinVar contains an entry for this variant (Variation ID: 1071666). For these reasons, this variant has been classified as Pathogenic.

Myriad Genetics, Inc.
Classification: Pathogenic for Familial cancer of breast. Last evaluated: 2025-05-13. Review status: criteria provided, single submitter. Criteria: Myriad Autosomal Dominant, Autosomal Recessive and X-Linked Classification Criteria (2023). Collection method: clinical testing. Allele origin: unknown.
Comment: This variant is considered pathogenic. This variant creates a frameshift predicted to result in premature protein truncation.

Literature cited by the submitters: PubMed 23807571 (cited by Labcorp Genetics (formerly Invitae), Labcorp); PubMed 25614872 (cited by Labcorp Genetics (formerly Invitae), Labcorp).

NM_000051.4(ATM):c.2044_2057del (p.Val682fs)

Gene: ATM (ATM serine/threonine kinase; plus strand). Cytogenetic location: 11q22.3.
Variant type: Deletion.
Coding change: c.2044_2057del on transcript NM_000051.4 (MANE Select); coding-DNA positions 2044 to 2057, 14 bases deleted (GTCCACCAGAATCT).
Protein change: p.Val682fs; shifts the reading frame from valine 682.
Molecular consequence: frameshift variant.
Genome position (GRCh38, 1-based): chr11:108,253,959-108,253,972, GTCCACCAGAATCT deleted; deleting any 14 consecutive bases within chr11:108,253,956-108,253,972 gives the same sequence; the c. name uses the placement nearest the transcript's 3' end. VCF-style (leftmost placement, unchanged base first): chr11-108253955-CTCTGTCCACCAGAA-C. GRCh37 (hg19) VCF-style: chr11-108124682-CTCTGTCCACCAGAA-C.
Other names: c.2044_2057del, p.Val682fs (NM_001351834.2); short protein forms V682fs.
Identifiers: ClinVar variation 1071666 (VCV001071666.8), dbSNP rs2135369731, ClinGen allele CA2499220583.